The following is an entry in ClinVar:

ClinVar aggregate classification (germline): Uncertain significance (1 of 4 stars; one submission).

Conditions:
Arrhythmogenic right ventricular cardiomyopathy (ARVD). Also called: Arrhythmogenic right ventricular dysplasia; Cardiomyopathy, ARVC; Arrhythmogenic cardiomyopathy; Arrhythmogenic Right Ventricular Cardiomyopathy (ARVC). Identifiers: Orphanet 247, MedGen C0349788, MeSH D019571, MONDO:0016587. Disease mechanism: loss of function. Inheritance: Various modes of inheritance.

Submission:

All of Us Research Program, National Institutes of Health
Classification: Uncertain significance for Arrhythmogenic right ventricular cardiomyopathy. Last evaluated: 2023-09-04. Review status: criteria provided, single submitter. Criteria: ACMG Guidelines, 2015. Collection method: clinical testing. Allele origin: germline. Inheritance: Autosomal dominant inheritance. Observed: 1 variant allele, 1 heterozygote.
Comment: This missense variant replaces threonine with alanine at codon 459 of the PKP2 protein. Computational prediction suggests that this variant may not impact protein structure and function (internally defined REVEL score threshold <= 0.5, PMID: 27666373). To our knowledge, functional studies have not been reported for this variant. This variant has not been reported in individuals affected with PKP2-related disorders in the literature. This variant has not been identified in the general population by the Genome Aggregation Database (gnomAD). The available evidence is insufficient to determine the role of this variant in disease conclusively. Therefore, this variant is classified as a Variant of Uncertain Significance.

This study involves interpretation of variants in research participants for the purpose of population health screening. Participant phenotype was not available at the time of variant classification. Additional details can be found in publication PMID: 35346344, PMCID: PMC8962531

NM_001005242.3(PKP2):c.1375A>G (p.Thr459Ala)

Gene: PKP2 (plakophilin 2; minus strand). Cytogenetic location: 12p11.21.
Variant type: single nucleotide variant.
Coding change: c.1375A>G on transcript NM_001005242.3 (MANE Select); coding-DNA position 1375, A replaced by G.
Protein change: p.Thr459Ala; replaces threonine 459 with alanine.
Molecular consequence: missense variant.
Genome position (GRCh38, 1-based): chr12:32,850,769, T>C on the plus strand (A>G on the coding strand, the complement: PKP2 is on the minus strand). VCF-style: chr12-32850769-T-C. GRCh37 (hg19) VCF-style: chr12-33003703-T-C.
Other names: c.1375A>G, p.Thr459Ala (NM_001407155.1, NM_001407156.1, NM_001407157.1 and 2 more transcripts); c.1048A>G, p.Thr350Ala (NM_001407158.1, NM_001407159.1, NM_001407160.1 and 1 more transcripts); short protein forms T350A, T459A.
Identifiers: ClinVar variation 3073297 (VCV003073297.1), dbSNP rs2541285718, ClinGen allele CA384369494.